The following is an entry in ClinVar:

ClinVar aggregate classification (germline): Uncertain significance (1 of 4 stars; one submission).

Conditions:
Intellectual developmental disorder, autosomal dominant 6, with or without seizures. Also called: GRIN2B-related developmental delay, intellectual disability and autism spectrum disorder; Intellectual disability, autosomal dominant 6. Identifiers: Orphanet 589547, MedGen C3151411, MONDO:0013509, OMIM 613970.
Developmental and epileptic encephalopathy, 27 (DEE27). Also called: Epileptic encephalopathy, early infantile, 27; GRIN2B-Related Neurodevelopmental Disorder. Identifiers: Orphanet 3451, MedGen C4015316, MONDO:0014505, OMIM 616139.

Submission:

Labcorp Genetics (formerly Invitae), Labcorp
Classification: Uncertain significance for Developmental and epileptic encephalopathy, 27; Intellectual developmental disorder, autosomal dominant 6, with or without seizures. Last evaluated: 2023-11-25. Review status: criteria provided, single submitter. Criteria: Invitae Variant Classification Sherloc (09022015). Collection method: clinical testing. Allele origin: germline.
Comment: This sequence change replaces isoleucine, which is neutral and non-polar, with valine, which is neutral and non-polar, at codon 133 of the GRIN2B protein (p.Ile133Val). This variant is not present in population databases (gnomAD no frequency). This variant has not been reported in the literature in individuals affected with GRIN2B-related conditions. Advanced modeling of protein sequence and biophysical properties (such as structural, functional, and spatial information, amino acid conservation, physicochemical variation, residue mobility, and thermodynamic stability) performed at Invitae indicates that this missense variant is not expected to disrupt GRIN2B protein function with a negative predictive value of 95%. Algorithms developed to predict the effect of sequence changes on RNA splicing suggest that this variant may create or strengthen a splice site. In summary, the available evidence is currently insufficient to determine the role of this variant in disease. Therefore, it has been classified as a Variant of Uncertain Significance.

NM_000834.5(GRIN2B):c.397A>G (p.Ile133Val)

Gene: GRIN2B (glutamate ionotropic receptor NMDA type subunit 2B; minus strand). Cytogenetic location: 12p13.1.
Variant type: single nucleotide variant.
Coding change: c.397A>G on transcript NM_000834.5 (MANE Select); coding-DNA position 397, A replaced by G.
Protein change: p.Ile133Val; replaces isoleucine 133 with valine.
Molecular consequence: missense variant.
Genome position (GRCh38, 1-based): chr12:13,865,812, T>C on the plus strand (A>G on the coding strand, the complement: GRIN2B is on the minus strand). VCF-style: chr12-13865812-T-C. GRCh37 (hg19) VCF-style: chr12-14018746-T-C.
Other names: c.397A>G, p.Ile133Val (NM_001413992.1, NM_001413993.1, NM_001413994.1 and 1 more transcripts); short protein forms I133V.
Identifiers: ClinVar variation 2954226 (VCV002954226.3), dbSNP rs2497982816, ClinGen allele CA384053485.